The following is an entry in ClinVar:

NM_003742.4(ABCB11):c.1150G>C (p.Ala384Pro)

Gene: ABCB11 (ATP binding cassette subfamily B member 11; minus strand). Cytogenetic location: 2q31.1.
Variant type: single nucleotide variant.
Coding change: c.1150G>C on transcript NM_003742.4 (MANE Select); coding-DNA position 1150, G replaced by C.
Protein change: p.Ala384Pro; replaces alanine 384 with proline.
Molecular consequence: missense variant.
Genome position (GRCh38, 1-based): chr2:168,979,913, C>G on the plus strand (G>C on the coding strand, the complement: ABCB11 is on the minus strand). VCF-style: chr2-168979913-C-G. GRCh37 (hg19) VCF-style: chr2-169836423-C-G.
Other names: short protein forms A384P.
Identifiers: ClinVar variation 4845943 (VCV004845943.1).
Genomic context (GRCh38, chr2:168,979,913, plus strand): 5'-GGCTTATACATACCCTGTCTATTGTCTCAAAAATGCTGGTGGCTGCTGCACGTCCAGTTG[C>G]AAAGGCTTCCAAACAAGGAGAGGCATTGCCAAGATTTAAAGCTCCTACTATGACACTGAG-3'
Protein context (NP_003733.2, residues 374-394): GNASPCLEAF[Ala384Pro]TGRAAATSIF

ClinVar aggregate classification (germline): Uncertain significance (1 of 4 stars; one submission).

Conditions:
Familial intrahepatic cholestasis. Identifiers: Orphanet 284385, MedGen CN296401, MONDO:0017290.

Submission:

Genomenon, Inc
Classification: Uncertain significance for Familial intrahepatic cholestasis. Last evaluated: 2026-04-14. Review status: criteria provided, single submitter. Criteria: Genomenon Sequence Variant Interpretation Standards - Updated. Collection method: curation. Allele origin: germline. Affected: yes.
Comment: ABCB11 p.Ala384Pro (c.1150G>C) is a missense variant that changes the amino acid at residue 384 from Alanine to Proline. This variant has been observed in at least one proband with an ABCB11-related disorder (PMID:36995996). It is absent or not present at a significant frequency in gnomAD. In silico models predict that this variant is possibly or probably damaging. In conclusion, we classify ABCB11 p.Ala384Pro (c.1150G>C) as a variant of uncertain significance.

Literature cited by the submitters: PubMed 36995996.